The following is an entry in ClinVar:

ClinVar aggregate classification (germline): Benign (1 of 4 stars; one submission).

Conditions:
Familial cancer of breast. Also called: hereditary breast carcinoma; Hereditary breast cancer; BREAST CANCER, FAMILIAL. Identifiers: Orphanet 227535, MedGen C0346153, MONDO:0016419, OMIM 114480. Disease mechanism: loss of function.

Submission:

Myriad Genetics, Inc.
Classification: Benign for Familial cancer of breast. Last evaluated: 2024-07-25. Review status: criteria provided, single submitter. Criteria: Myriad Autosomal Dominant, Autosomal Recessive and X-Linked Classification Criteria (2023). Collection method: clinical testing. Allele origin: unknown.
Comment: This variant is considered benign. This variant is a silent/synonymous amino acid change and it is not expected to impact splicing.

NM_000465.4(BARD1):c.1503A>T (p.Ala501=)

Gene: BARD1 (BRCA1 associated RING domain 1; minus strand). Cytogenetic location: 2q35.
Variant type: single nucleotide variant.
Coding change: c.1503A>T on transcript NM_000465.4 (MANE Select); coding-DNA position 1503, A replaced by T.
Protein change: p.Ala501=; no amino-acid change (alanine 501 retained).
Molecular consequence: synonymous variant. On other transcripts: non-coding transcript variant (3), intron variant (3).
Genome position (GRCh38, 1-based): chr2:214,767,547, T>A on the plus strand (A>T on the coding strand, the complement: BARD1 is on the minus strand). VCF-style: chr2-214767547-T-A. GRCh37 (hg19) VCF-style: chr2-215632271-T-A.
Other names: c.1446A>T, p.Ala482= (NM_001282543.2); c.159-14992A>T (NM_001282548.2); c.216-14992A>T (NM_001282545.2); c.364+24750A>T (NM_001282549.2).
Identifiers: ClinVar variation 3378977 (VCV003378977.1).
Genomic context (GRCh38, chr2:214,767,547, plus strand): 5'-ATTTCTGGAGGCTCCATAGGAAAGTAACAGCTTGACTATATCCACATGCCCATTCTTGGC[T>A]GCATCGTGAAGTGGTGAGTCATTTTGATACCCGGTGGTGTTCACCAATGCCTTATGCTGG-3'
Protein context (NP_000456.2, residues 491-511): GYQNDSPLHD[Ala501=]AKNGHVDIVK